The following is an entry in ClinVar:

NM_207037.2(TCF12):c.1196G>A (p.Arg399Gln)

Gene: TCF12 (transcription factor 12; plus strand). Cytogenetic location: 15q21.3.
Variant type: single nucleotide variant.
Coding change: c.1196G>A on transcript NM_207037.2 (MANE Select); coding-DNA position 1196, G replaced by A.
Protein change: p.Arg399Gln; replaces arginine 399 with glutamine.
Molecular consequence: missense variant. On other transcripts: intron variant (8).
Genome position (GRCh38, 1-based): chr15:57,252,428, G>A. VCF-style: chr15-57252428-G-A. GRCh37 (hg19) VCF-style: chr15-57544626-G-A.
Other names: c.686G>A, p.Arg229Gln (NM_001306219.3); c.1196G>A, p.Arg399Gln (NM_001322151.2, NM_001322152.2, NM_001322159.3 and 3 more transcripts); c.539G>A, p.Arg180Gln (NM_001322154.2); c.1022G>A, p.Arg341Gln (NM_001322156.2); c.1189-834G>A (NM_001322157.3, NM_003205.4, NM_207038.2 and 1 more transcripts); c.1015-834G>A (NM_001322158.2); c.1225-834G>A (NM_001322164.2); c.679-834G>A (NM_207040.2); and 1 more; short protein forms R180Q, R229Q, R341Q, R399Q.
Identifiers: ClinVar variation 1691344 (VCV001691344.5), dbSNP rs765920481, ClinGen allele CA7581192.

ClinVar aggregate classification (germline): Uncertain significance. Review status: criteria provided, multiple submitters, no conflicts (2 of 4 stars). 2 submissions from 2 submitters: Uncertain significance (2). Last evaluated 2023-07-26.

Allele frequency attached by ClinVar (database versions not stated): TOPMed below 0.00001; gnomAD 0.00001; ExAC 0.00002.
gnomAD v4.1: 12 of 1,613,648 alleles (0.00074%); highest among the groups gnomAD compares: South Asian, 0.0022%; no homozygotes.

Submissions (2):

Labcorp Genetics (formerly Invitae), Labcorp
Classification: Uncertain significance. Last evaluated: 2023-07-26. Review status: criteria provided, single submitter. Criteria: Invitae Variant Classification Sherloc (09022015). Collection method: clinical testing. Allele origin: germline.
Comment: Advanced modeling of protein sequence and biophysical properties (such as structural, functional, and spatial information, amino acid conservation, physicochemical variation, residue mobility, and thermodynamic stability) has been performed at Invitae for this missense variant, however the output from this modeling did not meet the statistical confidence thresholds required to predict the impact of this variant on TCF12 protein function. This sequence change replaces arginine, which is basic and polar, with glutamine, which is neutral and polar, at codon 399 of the TCF12 protein (p.Arg399Gln). This variant is present in population databases (rs765920481, gnomAD 0.007%). This variant has not been reported in the literature in individuals affected with TCF12-related conditions. ClinVar contains an entry for this variant (Variation ID: 1691344). In summary, the available evidence is currently insufficient to determine the role of this variant in disease. Therefore, it has been classified as a Variant of Uncertain Significance.

Seattle Children's Hospital Molecular Genetics Laboratory, Seattle Children's Hospital
Classification: Uncertain significance. Last evaluated: 2022-02-04. Review status: criteria provided, single submitter. Criteria: ACMG Guidelines, 2015. Collection method: clinical testing. Allele origin: germline. Affected: yes.
Comment: This missense change alters a highly conserved residue within exon 15 of the longer TCF12 isoform, but this exon is not included in shorter transcripts. To our knowledge, the p.Arg399Gln variant has not been reported in the medical literature or patient databases, and it is present at a very low frequency in large population studies (4 of 282,008 alleles, Genome Aggregation Database v2.1.1).